The following is an entry in ClinVar:

ClinVar aggregate classification (germline): Uncertain significance (1 of 4 stars; one submission).

Conditions:
Inborn genetic diseases. Identifiers: MedGen C0950123, MeSH D030342.

Submission:

Ambry Genetics
Classification: Uncertain significance for Inborn genetic diseases. Last evaluated: 2026-03-02. Review status: criteria provided, single submitter. Criteria: Ambry Variant Classification Scheme 2023. Collection method: clinical testing. Allele origin: germline.
Comment: The c.2087A>T (p.D696V) alteration is located in exon 13 (coding exon 13) of the TAF1 gene. This alteration results from an A to T substitution at nucleotide position 2087, causing the aspartic acid (D) at amino acid position 696 to be replaced by a valine (V). This variant was not reported in population-based cohorts in the Genome Aggregation Database (gnomAD). This amino acid position is highly conserved in available vertebrate species. This missense variant is located in a region that has a low rate of benign missense variation (Lek, 2016; Firth, 2009). The in silico prediction for this alteration is inconclusive. Based on insufficient or conflicting evidence, the clinical significance of this alteration remains unclear.

NM_004606.5(TAF1):c.2027A>T (p.Asp676Val)

Gene: TAF1 (TATA-box binding protein associated factor 1; plus strand). Cytogenetic location: Xq13.1.
Variant type: single nucleotide variant.
Coding change: c.2027A>T on transcript NM_004606.5 (MANE Select); coding-DNA position 2027, A replaced by T.
Protein change: p.Asp676Val; replaces aspartic acid 676 with valine.
Molecular consequence: missense variant. On other transcripts: non-coding transcript variant (9).
Genome position (GRCh38, 1-based): chrX:71,384,041, A>T. VCF-style: chrX-71384041-A-T. GRCh37 (hg19) VCF-style: chrX-70603891-A-T.
Other names: c.2027A>T, p.Asp676Val (NM_001286074.2, NM_001440852.1, NM_001440853.1); c.1964A>T, p.Asp655Val (NM_001440854.1, NM_138923.4); short protein forms D655V, D676V.
Identifiers: ClinVar variation 4840529 (VCV004840529.1).